The following is an entry in ClinVar:

NM_004287.5(GOSR2):c.260T>C (p.Phe87Ser)

Genes: LRRC37A2 (leucine rich repeat containing 37 member A2), GOSR2 (golgi SNAP receptor complex member 2; plus strand), LOC126862578 (BRD4-independent group 4 enhancer GRCh37_chr17:45008344-45009543; plus strand). Cytogenetic location: 17q21.32.
Variant type: single nucleotide variant.
Coding change: c.260T>C on transcript NM_004287.5 (MANE Select); coding-DNA position 260, T replaced by C.
Protein change: p.Phe87Ser; replaces phenylalanine 87 with serine.
Molecular consequence: missense variant. On other transcripts: non-coding transcript variant (3).
Genome position (GRCh38, 1-based): chr17:46,932,123, T>C. VCF-style: chr17-46932123-T-C. GRCh37 (hg19) VCF-style: chr17-45009489-T-C.
Other names: c.260T>C, p.Phe87Ser (NM_001012511.3, NM_001321133.2, NM_001330252.2 and 1 more transcripts); c.206T>C, p.Phe69Ser (NM_001321134.2, NM_001363851.2); c.257T>C, p.Phe86Ser (NM_001353114.2, NM_001353115.2, NM_001353116.2); short protein forms F87S, F69S, F86S.
Identifiers: ClinVar variation 451051 (VCV000451051.10), dbSNP rs374912150, ClinGen allele CA8621218.

ClinVar aggregate classification (germline): Uncertain significance. Review status: criteria provided, multiple submitters, no conflicts (2 of 4 stars). 2 submissions from 2 submitters: Uncertain significance (2). Last evaluated 2023-08-10.

Conditions:
Progressive myoclonic epilepsy. Also called: Myoclonic Epilepsies, Progressive; Familial progressive myoclonic epilepsy; Myoclonus epilepsy; Progressive myoclonus epilepsy. Identifiers: Orphanet 308, Orphanet 98261, MedGen C0751778, MONDO:0020074.

Allele frequency attached by ClinVar (database versions not stated): gnomAD exomes 0.00013 and 0.00001; TOPMed below 0.00001; ExAC 0.00001; ESP Exome Variant Server 0.00008.
gnomAD v4.1: 181 of 1,614,002 alleles (0.011%); highest among the groups gnomAD compares: Non-Finnish European, 0.015%; no homozygotes.

Submissions (2):

Labcorp Genetics (formerly Invitae), Labcorp
Classification: Uncertain significance for Progressive myoclonic epilepsy. Last evaluated: 2023-08-10. Review status: criteria provided, single submitter. Criteria: Invitae Variant Classification Sherloc (09022015). Collection method: clinical testing. Allele origin: germline.
Comment: An algorithm developed to predict the effect of missense changes on protein structure and function (PolyPhen-2) suggests that this variant¬†is likely to be tolerated. This sequence change replaces phenylalanine, which is neutral and non-polar, with serine, which is neutral and polar, at codon 87 of the GOSR2 protein (p.Phe87Ser). This variant is present in population databases (rs374912150, gnomAD 0.003%). This variant has not been reported in the literature in individuals affected with GOSR2-related conditions. ClinVar contains an entry for this variant (Variation ID: 451051). In summary, the available evidence is currently insufficient to determine the role of this variant in disease. Therefore, it has been classified as a Variant of Uncertain Significance.

GeneDx
Classification: Uncertain significance. Last evaluated: 2017-08-01. Review status: criteria provided, single submitter. Criteria: GeneDx Variant Classification (06012015). Collection method: clinical testing. Allele origin: germline. Affected: yes.
Comment: A variant of uncertain significance has been identified in the GOSR2 gene. The F87S variant has notbeen published as a pathogenic variant, nor has it been reported as a benign variant to our knowledge.The F87S variant is not observed at a significant frequency in large population cohorts (Lek et al.,2016; 1000 Genomes Consortium et al., 2015; Exome Variant Server). The F87S variant is anon-conservative amino acid substitution, which is likely to impact secondary protein structure asthese residues differ in polarity, charge, size and/or other properties. This substitution occurs at aposition that is conserved across species. In silico analysis predicts this variant is probably damaging tothe protein structure/function. Therefore, based on the currently available information, it is unclearwhether this variant is a pathogenic variant or a rare benign variant.